The following is an entry in ClinVar:

NM_016247.4(IMPG2):c.1576C>T (p.Leu526Phe)

Gene: IMPG2 (interphotoreceptor matrix proteoglycan 2; minus strand). Cytogenetic location: 3q12.3.
Variant type: single nucleotide variant.
Coding change: c.1576C>T on transcript NM_016247.4 (MANE Select); coding-DNA position 1576, C replaced by T.
Protein change: p.Leu526Phe; replaces leucine 526 with phenylalanine.
Molecular consequence: missense variant.
Genome position (GRCh38, 1-based): chr3:101,244,755, G>A on the plus strand (C>T on the coding strand, the complement: IMPG2 is on the minus strand). VCF-style: chr3-101244755-G-A. GRCh37 (hg19) VCF-style: chr3-100963599-G-A.
Other names: short protein forms L526F.
Identifiers: ClinVar variation 1946621 (VCV001946621.2), dbSNP rs890238066, ClinGen allele CA79723896.
Genomic context (GRCh38, chr3:101,244,755, plus strand): 5'-GTATTGTTTCTTTTGGCACAGGTTGAGTGAATGAACTTGAAGGCAATGAATCAATAGAAA[G>A]AAAATCTTCTGACTCTTCAACATTGGCTAATCCTAAAAATAAAGTTTTCCATTAATTAAT-3'
Protein context (NP_057331.2, residues 516-536): LANVEESEDF[Leu526Phe]SIDSLPSSSF

ClinVar aggregate classification (germline): Uncertain significance (1 of 4 stars; one submission).

Allele frequency attached by ClinVar (database versions not stated): TOPMed below 0.00001; gnomAD exomes 0.00001.
gnomAD v4.1: 16 of 1,613,994 alleles (0.00099%); highest among the groups gnomAD compares: Non-Finnish European, 0.0014%; no homozygotes.

Submission:

Labcorp Genetics (formerly Invitae), Labcorp
Classification: Uncertain significance. Last evaluated: 2022-05-09. Review status: criteria provided, single submitter. Criteria: Invitae Variant Classification Sherloc (09022015). Collection method: clinical testing. Allele origin: germline.
Comment: This sequence change replaces leucine, which is neutral and non-polar, with phenylalanine, which is neutral and non-polar, at codon 526 of the IMPG2 protein (p.Leu526Phe). This variant is not present in population databases (gnomAD no frequency). This variant has not been reported in the literature in individuals affected with IMPG2-related conditions. Algorithms developed to predict the effect of missense changes on protein structure and function output the following: SIFT: "Tolerated"; PolyPhen-2: "Benign"; Align-GVGD: "Class C0". The phenylalanine amino acid residue is found in multiple mammalian species, which suggests that this missense change does not adversely affect protein function. In summary, the available evidence is currently insufficient to determine the role of this variant in disease. Therefore, it has been classified as a Variant of Uncertain Significance.